The following is an entry in ClinVar:

ClinVar aggregate classification (germline): Likely pathogenic (1 of 4 stars; one submission).

Submission:

GeneDx
Classification: Likely pathogenic. Last evaluated: 2018-09-13. Review status: criteria provided, single submitter. Criteria: GeneDx Variant Classification (06012015). Collection method: clinical testing. Allele origin: germline. Affected: yes.
Comment: The c.563_564insCCTC variant in the NFIA gene has not been reported previously as a pathogenic variant nor as a benign variant, to our knowledge. The c.563_564insCCTC variant causes a frameshift starting with codon Serine 189, changes this amino acid to a Leucine residue, and creates a premature Stop codon at position 5 of the new reading frame, denoted p.S189LfsX5. This variant is predicted to cause loss of normal protein function either through protein truncation or nonsense-mediated mRNA decay. The c.563_564insCCTC variant is not observed in large population cohorts (Lek et al., 2016). We interpret c.563_564insCCTC as a likely pathogenic variant

NM_001134673.4(NFIA):c.563_564insCCTC (p.Ser189fs)

Gene: NFIA (nuclear factor I A; plus strand). Cytogenetic location: 1p31.3.
Variant type: Insertion.
Coding change: c.563_564insCCTC on transcript NM_001134673.4 (MANE Select); coding-DNA positions 563 to 564, CCTC inserted.
Protein change: p.Ser189fs; shifts the reading frame from serine 189.
Molecular consequence: frameshift variant.
Genome position: GRCh38 VCF-style: chr1-61277521-T-TTCCC. GRCh37 (hg19) VCF-style: chr1-61743193-T-TTCCC.
Other names: c.539_540insCCTC, p.Ser181fs (NM_001145511.2); c.698_699insCCTC, p.Ser234fs (NM_001145512.2); c.563_564insCCTC, p.Ser189fs (NM_005595.5); short protein forms S189fs, S181fs, S234fs.
Identifiers: ClinVar variation 817218 (VCV000817218.1), dbSNP rs1570497904, ClinGen allele CA915941297.
Genomic context (GRCh38, chr1:61,277,521, plus strand): 5'-TCTGATGCACTTTCCCTTGCAGACCCTGTAATTTTTGGCTGTATTTTTATGTTTTTCAGA[T>TTCCC]TCAAGTCAATCTGAAAGTCCCAGCCAGCCAAGTGACGCTGACATTAAGGACCAGCCAGAA-3'